The following is an entry in ClinVar:

ClinVar aggregate classification (germline): Pathogenic (1 of 4 stars; one submission).

Conditions:
Niemann-Pick disease, type C1. Also called: NEUROVISCERAL STORAGE DISEASE WITH VERTICAL SUPRANUCLEAR OPHTHALMOPLEGIA; NIEMANN-PICK DISEASE WITH CHOLESTEROL ESTERIFICATION BLOCK; NIEMANN-PICK DISEASE WITHOUT SPHINGOMYELINASE DEFICIENCY; NIEMANN-PICK DISEASE, CHRONIC NEURONOPATHIC FORM; NIEMANN-PICK DISEASE, VARIANT TYPE C1. Identifiers: Orphanet 646, MedGen C3179455, MONDO:0009757, OMIM 257220.

Submission:

Labcorp Genetics (formerly Invitae), Labcorp
Classification: Pathogenic for Niemann-Pick disease, type C1. Last evaluated: 2023-10-03. Review status: criteria provided, single submitter. Criteria: Invitae Variant Classification Sherloc (09022015). Collection method: clinical testing. Allele origin: unknown.
Comment: This variant is a gross deletion of the genomic region encompassing exon(s) 2-4 of the NPC1 gene. This deletion is out-of-frame, and is expected to create a premature termination codon and result in an absent or disrupted protein product. Loss-of-function variants in NPC1 are known to be pathogenic (PMID: 9211850). This variant has not been reported in the literature in individuals affected with NPC1-related conditions. For these reasons, this variant has been classified as Pathogenic.

Literature cited by the submitters: PubMed 9211850.

NC_000018.9:g.(?_21148767)_(21153558_?)del

Gene: NPC1 (NPC intracellular cholesterol transporter 1; minus strand). Cytogenetic location: 18q11.2.
Variant type: Deletion.
Identifiers: ClinVar variation 3242764 (VCV003242764.1).